The following is an entry in ClinVar:

NM_000321.3(RB1):c.1406C>T (p.Ser469Phe)

Gene: RB1 (RB transcriptional corepressor 1; plus strand). Cytogenetic location: 13q14.2.
Variant type: single nucleotide variant.
Coding change: c.1406C>T on transcript NM_000321.3 (MANE Select); coding-DNA position 1406, C replaced by T.
Protein change: p.Ser469Phe; replaces serine 469 with phenylalanine.
Molecular consequence: missense variant.
Genome position (GRCh38, 1-based): chr13:48,380,069, C>T. VCF-style: chr13-48380069-C-T. GRCh37 (hg19) VCF-style: chr13-48954205-C-T.
Other names: short protein forms S469F.
Identifiers: ClinVar variation 578066 (VCV000578066.12), dbSNP rs1243796201, ClinGen allele CA388162707.

ClinVar aggregate classification (germline): Uncertain significance. Review status: criteria provided, multiple submitters, no conflicts (2 of 4 stars). 3 submissions from 3 submitters: Uncertain significance (3). Last evaluated 2025-09-22.

Conditions:
Retinoblastoma (RB1). Also called: RETINOBLASTOMA, SOMATIC. Identifiers: Orphanet 790, MedGen C0035335, MeSH D012175, MONDO:0008380, OMIM 180200, HP:0009919. Disease mechanism: loss of function. Inheritance: Both sporadic and heritable forms are tested..
Hereditary cancer-predisposing syndrome. Also called: Tumor predisposition; Hereditary neoplastic syndrome; Hereditary Cancer Syndrome; Neoplastic Syndromes, Hereditary. Identifiers: Orphanet 140162, MedGen C0027672, MeSH D009386, MONDO:0015356.

Allele frequency attached by ClinVar (database versions not stated): gnomAD exomes below 0.00001; gnomAD 0.00001.
gnomAD v4.1: 5 of 1,362,554 alleles (0.00037%); highest among the groups gnomAD compares: Non-Finnish European, 0.0004%; no homozygotes.

Submissions (3):

Labcorp Genetics (formerly Invitae), Labcorp
Classification: Uncertain significance for Retinoblastoma. Last evaluated: 2025-09-22. Review status: criteria provided, single submitter. Criteria: Invitae Variant Classification Sherloc (09022015). Collection method: clinical testing. Allele origin: germline.
Comment: This sequence change replaces serine, which is neutral and polar, with phenylalanine, which is neutral and non-polar, at codon 469 of the RB1 protein (p.Ser469Phe). This variant is not present in population databases (gnomAD no frequency). This variant has not been reported in the literature in individuals affected with RB1-related conditions. ClinVar contains an entry for this variant (Variation ID: 578066). Invitae Evidence Modeling of protein sequence and biophysical properties (such as structural, functional, and spatial information, amino acid conservation, physicochemical variation, residue mobility, and thermodynamic stability) indicates that this missense variant is expected to disrupt RB1 protein function with a positive predictive value of 80%. In summary, the available evidence is currently insufficient to determine the role of this variant in disease. Therefore, it has been classified as a Variant of Uncertain Significance.

Color Diagnostics, LLC DBA Color Health
Classification: Uncertain significance for Retinoblastoma. Last evaluated: 2025-06-12. Review status: criteria provided, single submitter. Criteria: ACMG Guidelines, 2015. Collection method: clinical testing. Allele origin: germline.
Comment: This missense variant replaces serine with phenylalanine at codon 469 of the RB1 protein. Computational prediction is inconclusive regarding the impact of this variant on protein structure and function. To our knowledge, functional studies have not been reported for this variant. This variant has not been reported in individuals affected with RB1-related disorders in the literature. This variant has not been identified in the general population by the Genome Aggregation Database (gnomAD). The available evidence is insufficient to determine the role of this variant in disease conclusively. Therefore, this variant is classified as a Variant of Uncertain Significance.

Ambry Genetics
Classification: Uncertain significance for Hereditary cancer-predisposing syndrome. Last evaluated: 2025-03-04. Review status: criteria provided, single submitter. Criteria: Ambry Variant Classification Scheme 2023. Collection method: clinical testing. Allele origin: germline.
Comment: The p.S469F variant (also known as c.1406C>T), located in coding exon 15 of the RB1 gene, results from a C to T substitution at nucleotide position 1406. The serine at codon 469 is replaced by phenylalanine, an amino acid with highly dissimilar properties. This amino acid position is conserved. In addition, the in silico prediction for this alteration is inconclusive. Since supporting evidence is limited at this time, the clinical significance of this alteration remains unclear.